The following is an entry in ClinVar:

ClinVar aggregate classification (germline): Conflicting classifications of pathogenicity. Review status: criteria provided, conflicting classifications (1 of 4 stars). 3 submissions from 3 submitters: Uncertain significance (1); Likely benign (1). 1 of the submissions does not count toward it. Last evaluated 2025-10-27.

Conditions:
Hereditary sensory and autonomic neuropathy type 6. Also called: Neuropathy, hereditary sensory and autonomic, type VI; HSAN VI. Identifiers: Orphanet 314381, MedGen C3539003, MONDO:0013839, OMIM 614653.
Epidermolysis bullosa simplex 3, localized or generalized intermediate, with BP230 deficiency (EBS3). Also called: Epidermolysis bullosa simplex due to BP230 deficiency; Epidermolysis bullosa simplex, autosomal recessive 2. Identifiers: Orphanet 412181, MedGen C3809470, MONDO:0014180, OMIM 615425.
DST-related disorder. Also called: DST-related condition; DST-related disorders.

Allele frequency attached by ClinVar (database versions not stated): ESP Exome Variant Server 0.00008; gnomAD 0.00009; TOPMed 0.00015; gnomAD exomes 0.00026; ExAC 0.00036.
gnomAD v4.1: 110 of 1,595,102 alleles (0.0069%); highest among the groups gnomAD compares: Admixed American, 0.13%; 2 homozygotes.

Submissions (3):

Labcorp Genetics (formerly Invitae), Labcorp
Classification: Likely benign for Epidermolysis bullosa simplex 3, localized or generalized intermediate, with BP230 deficiency; Hereditary sensory and autonomic neuropathy type 6. Last evaluated: 2025-10-27. Review status: criteria provided, single submitter. Criteria: Invitae Variant Classification Sherloc (09022015). Collection method: clinical testing. Allele origin: germline.

Mayo Clinic Laboratories, Mayo Clinic
Classification: Uncertain significance. Last evaluated: 2021-09-27. Review status: criteria provided, single submitter. Criteria: ACMG Guidelines, 2015. Collection method: clinical testing. Allele origin: germline.

PreventionGenetics, part of Exact Sciences
Classification: Likely benign for DST-related condition. Last evaluated: 2024-03-18. Review status: no assertion criteria provided. Collection method: clinical testing. Allele origin: germline. Not counted in ClinVar's aggregate classification.
Comment: This variant is classified as likely benign based on ACMG/AMP sequence variant interpretation guidelines (Richards et al. 2015 PMID: 25741868, with internal and published modifications).

NM_001374736.1(DST):c.22195C>T (p.Arg7399Cys)

Gene: DST (dystonin; minus strand). Cytogenetic location: 6p12.1.
Variant type: single nucleotide variant.
Coding change: c.22195C>T on transcript NM_001374736.1 (MANE Select); coding-DNA position 22195, C replaced by T.
Protein change: p.Arg7399Cys; replaces arginine 7399 with cysteine.
Molecular consequence: missense variant.
Genome position (GRCh38, 1-based): chr6:56,471,232, G>A on the plus strand (C>T on the coding strand, the complement: DST is on the minus strand). VCF-style: chr6-56471232-G-A. GRCh37 (hg19) VCF-style: chr6-56336030-G-A.
Other names: p.Arg4776Cys; c.15838C>T, p.Arg5280Cys (NM_001144769.5); c.15424C>T, p.Arg5142Cys (NM_001144770.2); c.22195C>T, p.Arg7399Cys (NM_001374722.1); c.21235C>T, p.Arg7079Cys (NM_001374729.1); c.14977C>T, p.Arg4993Cys (NM_001374730.1); c.22222C>T, p.Arg7408Cys (NM_001374734.1); c.15304C>T, p.Arg5102Cys (NM_001386100.1, NM_183380.4); and 2 more; short protein forms R4776C, R4993C, R5102C, R5142C, R5280C, R7079C, R7399C, R7408C.
Identifiers: ClinVar variation 1089487 (VCV001089487.13), dbSNP rs373258036, ClinGen allele CA3866303.